The following is an entry in ClinVar:

NM_001089.3(ABCA3):c.3795C>G (p.Tyr1265Ter)

Gene: ABCA3 (ATP binding cassette subfamily A member 3; minus strand). Cytogenetic location: 16p13.3.
Variant type: single nucleotide variant.
Coding change: c.3795C>G on transcript NM_001089.3 (MANE Select); coding-DNA position 3795, C replaced by G.
Protein change: p.Tyr1265Ter; replaces tyrosine 1265 with a stop codon.
Molecular consequence: nonsense.
Genome position (GRCh38, 1-based): chr16:2,284,346, G>C on the plus strand (C>G on the coding strand, the complement: ABCA3 is on the minus strand). VCF-style: chr16-2284346-G-C. GRCh37 (hg19) VCF-style: chr16-2334347-G-C.
Other names: short protein forms Y1265*.
Identifiers: ClinVar variation 5015217 (VCV005015217.1).
Genomic context (GRCh38, chr16:2,284,346, plus strand): 5'-CTTGCAGTAGTGGGCGGCGACCTCGGAGGAGGTGCAGTACCTCCGCGTCTCGTAGTTCTC[G>C]TAGAAACTGCTGACTGCCATCCCCAGACAGTGGTTGGGCAGCACCAGGAACACGTGATCC-3'

ClinVar aggregate classification (germline): Pathogenic (1 of 4 stars; one submission).

Conditions:
Interstitial lung disease due to ABCA3 deficiency. Also called: PULMONARY ALVEOLAR PROTEINOSIS, CONGENITAL, 3. Identifiers: Orphanet 440402, MedGen C1970456, MONDO:0012582, OMIM 610921.

gnomAD v4.1: 4 of 1,613,970 alleles (0.00025%); highest among the groups gnomAD compares: East Asian, 0.0022%; no homozygotes.

Submission:

Myriad Genetics, Inc.
Classification: Pathogenic for Interstitial lung disease due to ABCA3 deficiency. Last evaluated: 2025-11-14. Review status: criteria provided, single submitter. Criteria: Myriad Autosomal Dominant, Autosomal Recessive and X-Linked Classification Criteria (2023). Collection method: clinical testing. Allele origin: unknown.
Comment: NM_001089.2(ABCA3):c.3795C>G(Y1265*) is expected to be pathogenic in the context of surfactant deficiency, ABCA3-related. This variant is predicted to lead to an abnormal or absent protein product due to the creation of a premature termination codon in ABCA3, a gene where loss-of-function variants are known to be pathogenic. Please note: this variant was assessed in the context of healthy population screening.